The following is an entry in ClinVar:

ClinVar aggregate classification (germline): Uncertain significance (1 of 4 stars; one submission).

Conditions:
Glycogen storage disease type III (GSD3). Also called: Cori disease; FORBES DISEASE. Identifiers: Orphanet 366, MedGen C0017922, MONDO:0009291, OMIM 232400.

Allele frequency attached by ClinVar (database versions not stated): gnomAD exomes below 0.00001.
gnomAD v4.1: 1 of 1,613,596 alleles (0.000062%); highest among the groups gnomAD compares: Non-Finnish European, 0.000085%; no homozygotes.

Submission:

Labcorp Genetics (formerly Invitae), Labcorp
Classification: Uncertain significance for Glycogen storage disease type III. Last evaluated: 2021-08-07. Review status: criteria provided, single submitter. Criteria: Invitae Variant Classification Sherloc (09022015). Collection method: clinical testing. Allele origin: germline.
Comment: This sequence change replaces methionine with threonine at codon 940 of the AGL protein (p.Met940Thr). The methionine residue is weakly conserved and there is a moderate physicochemical difference between methionine and threonine. This variant is not present in population databases (ExAC no frequency). This variant has not been reported in the literature in individuals affected with AGL-related conditions. Algorithms developed to predict the effect of missense changes on protein structure and function are either unavailable or do not agree on the potential impact of this missense change (SIFT: "Deleterious"; PolyPhen-2: "Benign"; Align-GVGD: "Class C0"). In summary, the available evidence is currently insufficient to determine the role of this variant in disease. Therefore, it has been classified as a Variant of Uncertain Significance.

NM_000642.3(AGL):c.2819T>C (p.Met940Thr)

Gene: AGL (amylo-alpha-1,6-glucosidase and 4-alpha-glucanotransferase; plus strand). Cytogenetic location: 1p21.2.
Variant type: single nucleotide variant.
Coding change: c.2819T>C on transcript NM_000642.3 (MANE Select); coding-DNA position 2819, T replaced by C.
Protein change: p.Met940Thr; replaces methionine 940 with threonine.
Molecular consequence: missense variant.
Genome position (GRCh38, 1-based): chr1:99,891,226, T>C. VCF-style: chr1-99891226-T-C. GRCh37 (hg19) VCF-style: chr1-100356782-T-C.
Other names: c.2819T>C, p.Met940Thr (NM_000028.3, NM_000643.3, NM_000644.3 and 1 more transcripts); c.2771T>C, p.Met924Thr (NM_000646.3); c.2618T>C, p.Met873Thr (NM_001425327.1); c.2615T>C, p.Met872Thr (NM_001425328.1); c.2480T>C, p.Met827Thr (NM_001425329.1); c.2441T>C, p.Met814Thr (NM_001425332.1); short protein forms M924T, M940T, M814T, M827T, M872T, M873T.
Identifiers: ClinVar variation 1388461 (VCV001388461.3), dbSNP rs2100788224, ClinGen allele CA341324818.